The following is an entry in ClinVar:

ClinVar aggregate classification (germline): Uncertain significance (1 of 4 stars; one submission).

Submission:

GeneDx
Classification: Uncertain significance. Last evaluated: 2023-12-12. Review status: criteria provided, single submitter. Criteria: GeneDx Variant Classification Process June 2021. Collection method: clinical testing. Allele origin: germline. Affected: yes.
Comment: Not observed at significant frequency in large population cohorts (gnomAD); In silico analysis supports that this missense variant has a deleterious effect on protein structure/function; Has not been previously published as pathogenic or benign to our knowledge

NM_001379403.1(WDR26):c.1304A>C (p.Asp435Ala)

Gene: WDR26 (WD repeat domain 26; minus strand). Cytogenetic location: 1q42.12.
Variant type: single nucleotide variant.
Coding change: c.1304A>C on transcript NM_001379403.1 (MANE Select); coding-DNA position 1304, A replaced by C.
Protein change: p.Asp435Ala; replaces aspartic acid 435 with alanine.
Molecular consequence: missense variant.
Genome position (GRCh38, 1-based): chr1:224,418,275, T>G on the plus strand (A>C on the coding strand, the complement: WDR26 is on the minus strand). VCF-style: chr1-224418275-T-G. GRCh37 (hg19) VCF-style: chr1-224605977-T-G.
Other names: c.956A>C, p.Asp319Ala (NM_001115113.3); c.1004A>C, p.Asp335Ala (NM_025160.7); short protein forms D319A, D335A, D435A.
Identifiers: ClinVar variation 3365596 (VCV003365596.1).